The following is an entry in ClinVar:

NM_001042492.3(NF1):c.6872T>C (p.Ile2291Thr)

Gene: NF1 (neurofibromin 1; plus strand). Cytogenetic location: 17q11.2.
Variant type: single nucleotide variant.
Coding change: c.6872T>C on transcript NM_001042492.3 (MANE Select); coding-DNA position 6872, T replaced by C.
Protein change: p.Ile2291Thr; replaces isoleucine 2291 with threonine.
Molecular consequence: missense variant.
Genome position (GRCh38, 1-based): chr17:31,338,756, T>C. VCF-style: chr17-31338756-T-C. GRCh37 (hg19) VCF-style: chr17-29665774-T-C.
Other names: c.6809T>C, p.Ile2270Thr (NM_000267.4); short protein forms I2270T, I2291T.
Identifiers: ClinVar variation 1755556 (VCV001755556.2), dbSNP rs2508762830, ClinGen allele CA399014355.
Genomic context (GRCh38, chr17:31,338,756, plus strand): 5'-CCTAAAAGGCACTTGAGAGTTGCTTAAAAGGACCTGACACTTACAACAGTCAAGTTCTGA[T>C]AGAAGCTACAGTAATAGCACTAACCAAATTACAGCCACTTCTTAATAAGGTAATTACTGT-3'
Protein context (NP_001035957.1, residues 2281-2301): GPDTYNSQVL[Ile2291Thr]EATVIALTKL

ClinVar aggregate classification (germline): Uncertain significance (1 of 4 stars; one submission).

Conditions:
Cardiovascular phenotype. Identifiers: MedGen CN230736.
Hereditary cancer-predisposing syndrome. Also called: Neoplastic Syndromes, Hereditary; Tumor predisposition; Hereditary Cancer Syndrome; Hereditary neoplastic syndrome. Identifiers: Orphanet 140162, MedGen C0027672, MeSH D009386, MONDO:0015356.

Submission:

Ambry Genetics
Classification: Uncertain significance for Cardiovascular phenotype; Hereditary cancer-predisposing syndrome. Last evaluated: 2021-09-21. Review status: criteria provided, single submitter. Criteria: Ambry Variant Classification Scheme 2023. Collection method: clinical testing. Allele origin: germline.
Comment: The p.I2270T variant (also known as c.6809T>C), located in coding exon 45 of the NF1 gene, results from a T to C substitution at nucleotide position 6809. The isoleucine at codon 2270 is replaced by threonine, an amino acid with similar properties. This amino acid position is highly conserved in available vertebrate species. In addition, the in silico prediction for this alteration is inconclusive. Since supporting evidence is limited at this time, the clinical significance of this alteration remains unclear.